The following is an entry in ClinVar:

NM_006231.4(POLE):c.6511A>G (p.Lys2171Glu)

Gene: POLE (DNA polymerase epsilon, catalytic subunit; minus strand). Cytogenetic location: 12q24.33.
Variant type: single nucleotide variant.
Coding change: c.6511A>G on transcript NM_006231.4 (MANE Select); coding-DNA position 6511, A replaced by G.
Protein change: p.Lys2171Glu; replaces lysine 2171 with glutamic acid.
Molecular consequence: missense variant.
Genome position (GRCh38, 1-based): chr12:132,626,137, T>C on the plus strand (A>G on the coding strand, the complement: POLE is on the minus strand). VCF-style: chr12-132626137-T-C. GRCh37 (hg19) VCF-style: chr12-133202723-T-C.
Other names: c.6511A>G (NM_006231.2); short protein forms K2171E.
Identifiers: ClinVar variation 650104 (VCV000650104.18), dbSNP rs760678210, ClinGen allele CA6892161.

ClinVar aggregate classification (germline): Uncertain significance. Review status: criteria provided, multiple submitters, no conflicts (2 of 4 stars). 4 submissions from 4 submitters: Uncertain significance (4). Last evaluated 2025-12-03.

Conditions:
Hereditary cancer-predisposing syndrome. Also called: Neoplastic Syndromes, Hereditary; Tumor predisposition; Hereditary Cancer Syndrome; Hereditary neoplastic syndrome. Identifiers: Orphanet 140162, MedGen C0027672, MeSH D009386, MONDO:0015356.

Allele frequency attached by ClinVar (database versions not stated): gnomAD exomes below 0.00001 and 0.00001; gnomAD 0.00001; ExAC 0.00002.

Submissions (4):

Labcorp Genetics (formerly Invitae), Labcorp
Classification: Uncertain significance. Last evaluated: 2025-12-03. Review status: criteria provided, single submitter. Criteria: Invitae Variant Classification Sherloc (09022015). Collection method: clinical testing. Allele origin: germline.
Comment: This sequence change replaces lysine, which is basic and polar, with glutamic acid, which is acidic and polar, at codon 2171 of the POLE protein (p.Lys2171Glu). This variant is present in population databases (rs760678210, gnomAD 0.003%). This variant has not been reported in the literature in individuals affected with POLE-related conditions. ClinVar contains an entry for this variant (Variation ID: 650104). Invitae Evidence Modeling of protein sequence and biophysical properties (such as structural, functional, and spatial information, amino acid conservation, physicochemical variation, residue mobility, and thermodynamic stability) indicates that this missense variant is not expected to disrupt POLE protein function with a negative predictive value of 80%. In summary, the available evidence is currently insufficient to determine the role of this variant in disease. Therefore, it has been classified as a Variant of Uncertain Significance.

Ambry Genetics
Classification: Uncertain significance for Hereditary cancer-predisposing syndrome. Last evaluated: 2025-03-28. Review status: criteria provided, single submitter. Criteria: Ambry Variant Classification Scheme 2023. Collection method: clinical testing. Allele origin: germline.
Comment: The p.K2171E variant (also known as c.6511A>G), located in coding exon 46 of the POLE gene, results from an A to G substitution at nucleotide position 6511. The lysine at codon 2171 is replaced by glutamic acid, an amino acid with similar properties. This amino acid position is well conserved in available vertebrate species. In addition, this alteration is predicted to be tolerated by in silico analysis. Based on the available evidence, the clinical significance of this variant remains unclear.

GeneDx
Classification: Uncertain significance. Last evaluated: 2024-07-30. Review status: criteria provided, single submitter. Criteria: GeneDx Variant Classification Process June 2021. Collection method: clinical testing. Allele origin: germline. Affected: yes.
Comment: Not observed at significant frequency in large population cohorts (gnomAD); In silico analysis supports that this missense variant has a deleterious effect on protein structure/function; Has not been previously published as pathogenic or benign to our knowledge; This variant is associated with the following publications: (PMID: 19296856)

ARUP Laboratories, Molecular Genetics and Genomics, ARUP Laboratories
Classification: Uncertain significance. Last evaluated: 2020-10-31. Review status: criteria provided, single submitter. Criteria: ARUP Molecular Germline Variant Investigation Process 2021. Collection method: clinical testing. Allele origin: germline.
Comment: The POLE c.6511A>G; p.Lys2171Glu variant (rs760678210), to our knowledge, is not reported in the medical literature but is reported in ClinVar (Variation ID: 650104). This variant is found in the general population with an overall allele frequency of 0.001% (3/235,440 alleles) in the Genome Aggregation Database. This variant is not located in the exonuclease domain of POLE (Palles 2013), and gene-disease association has not been established for variants outside of the exonuclease domain (Seifert 2019). Due to limited information, the clinical significance of the p.Lys2171Glu variant is uncertain at this time.